The following is an entry in ClinVar:

NM_001128225.3(SLC39A13):c.812G>A (p.Arg271Gln)

Gene: SLC39A13 (solute carrier family 39 member 13; plus strand). Cytogenetic location: 11p11.2.
Variant type: single nucleotide variant.
Coding change: c.812G>A on transcript NM_001128225.3 (MANE Select); coding-DNA position 812, G replaced by A.
Protein change: p.Arg271Gln; replaces arginine 271 with glutamine.
Molecular consequence: missense variant. On other transcripts: non-coding transcript variant (1), intron variant (1).
Genome position (GRCh38, 1-based): chr11:47,414,802, G>A. VCF-style: chr11-47414802-G-A. GRCh37 (hg19) VCF-style: chr11-47436353-G-A.
Other names: c.812G>A, p.Arg271Gln (NM_001330245.2, NM_001441271.1, NM_152264.5); c.704G>A, p.Arg235Gln (NM_001441272.1, NM_001441275.1); c.722G>A, p.Arg241Gln (NM_001441273.1); c.614G>A, p.Arg205Gln (NM_001441274.1); c.679-258G>A (NM_001441276.1); short protein forms R205Q, R235Q, R241Q, R271Q.
Identifiers: ClinVar variation 4687762 (VCV004687762.1).

ClinVar aggregate classification (germline): Uncertain significance (1 of 4 stars; one submission).

gnomAD v4.1: 19 of 1,610,712 alleles (0.0012%); highest among the groups gnomAD compares: South Asian, 0.0022%; no homozygotes.

Submission:

Women's Health and Genetics/Laboratory Corporation of America, LabCorp
Classification: Uncertain significance. Last evaluated: 2025-10-24. Review status: criteria provided, single submitter. Criteria: LabCorp Variant Classification Summary - May 2015. Collection method: clinical testing. Allele origin: germline.
Comment: Variant summary: SLC39A13 c.812G>A (p.Arg271Gln) results in a conservative amino acid change in the encoded protein sequence. Algorithms developed to predict the effect of missense changes on protein structure and function are either unavailable or do not agree on the potential impact of this missense change. The variant allele was found at a frequency of 2.8e-05 in 248464 control chromosomes. The available data on variant occurrences in the general population are insufficient to allow any conclusion about variant significance. To our knowledge, no occurrence of c.812G>A in individuals affected with SLC39A13-related conditions and no experimental evidence demonstrating its impact on protein function have been reported. No submitters have cited clinical-significance assessments for this variant to ClinVar. Based on the evidence outlined above, the variant was classified as uncertain significance.